The following is an entry in ClinVar:

ClinVar aggregate classification (germline): Conflicting classifications of pathogenicity. Review status: criteria provided, conflicting classifications (1 of 4 stars). 3 submissions from 3 submitters: Uncertain significance (2); Benign (1). Last evaluated 2026-04-01.

Conditions:
Inborn genetic diseases. Identifiers: MedGen C0950123, MeSH D030342.

Allele frequency attached by ClinVar (database versions not stated): ExAC 0.00006; TOPMed 0.00012; gnomAD 0.00013; 1000 Genomes Project 30x 0.00016; 1000 Genomes Project 0.00020; ESP Exome Variant Server 0.00023.
gnomAD v4.1: 46 of 1,606,604 alleles (0.0029%); highest among the groups gnomAD compares: African/African-American, 0.035%; no homozygotes.

Submissions (3):

CeGaT Center for Human Genetics Tuebingen
Classification: Uncertain significance. Last evaluated: 2026-04-01. Review status: criteria provided, single submitter. Criteria: CeGaT Center For Human Genetics Tuebingen Variant Classification Criteria Version 2. Collection method: clinical testing. Allele origin: germline. Affected: yes. Observed: 1 variant allele.
Comment: OTOF: PM2, BP4

Labcorp Genetics (formerly Invitae), Labcorp
Classification: Benign. Last evaluated: 2025-12-01. Review status: criteria provided, single submitter. Criteria: Invitae Variant Classification Sherloc (09022015). Collection method: clinical testing. Allele origin: germline.

Ambry Genetics
Classification: Uncertain significance for Inborn genetic diseases. Last evaluated: 2025-08-30. Review status: criteria provided, single submitter. Criteria: Ambry Variant Classification Scheme 2023. Collection method: clinical testing. Allele origin: germline.

NM_194248.3(OTOF):c.340G>A (p.Val114Met)

Gene: OTOF (otoferlin; minus strand). Cytogenetic location: 2p23.3.
Variant type: single nucleotide variant.
Coding change: c.340G>A on transcript NM_194248.3 (MANE Select); coding-DNA position 340, G replaced by A.
Protein change: p.Val114Met; replaces valine 114 with methionine.
Molecular consequence: missense variant.
Genome position (GRCh38, 1-based): chr2:26,516,587, C>T on the plus strand (G>A on the coding strand, the complement: OTOF is on the minus strand). VCF-style: chr2-26516587-C-T. GRCh37 (hg19) VCF-style: chr2-26739455-C-T.
Other names: c.340G>A, p.Val114Met (NM_001287489.2); short protein forms V114M.
Identifiers: ClinVar variation 2307803 (VCV002307803.8), dbSNP rs376117319, ClinGen allele CA1564693.
Genomic context (GRCh38, chr2:26,516,587, plus strand): 5'-GGAAGTCCCCATCGTCCCAGGAGCCCACTGTGCCGTCAGTGGCCTGATACCGGACCTCCA[C>T]GCACAGGCTGGTCTGAAGGGAGGGAGGCGGTGGTGAGCAGCTGGGATGGTGACAGCAATC-3'
Protein context (NP_919224.1, residues 104-124): NNAIIKTSLC[Val114Met]EVRYQATDGT